The following is an entry in ClinVar:

NM_001039141.3(TRIOBP):c.5014G>T (p.Gly1672Ter)

Gene: TRIOBP (TRIO and F-actin binding protein; plus strand). Cytogenetic location: 22q13.1.
Variant type: single nucleotide variant.
Coding change: c.5014G>T on transcript NM_001039141.3 (MANE Select); coding-DNA position 5014, G replaced by T.
Protein change: p.Gly1672Ter; replaces glycine 1672 with a stop codon.
Molecular consequence: nonsense.
Genome position (GRCh38, 1-based): chr22:37,735,350, G>T. VCF-style: chr22-37735350-G-T. GRCh37 (hg19) VCF-style: chr22-38131357-G-T.
Other names: p.Gly1672*; short protein forms G1672*.
Identifiers: ClinVar variation 504691 (VCV000504691.50), dbSNP rs200045032, ClinGen allele CA10224486.

ClinVar aggregate classification (germline): Conflicting classifications of pathogenicity. Review status: criteria provided, conflicting classifications (1 of 4 stars). 17 submissions from 17 submitters: Pathogenic (8); Likely pathogenic (4); Uncertain significance (1). 4 of the submissions do not count toward it. Last evaluated 2026-09-16.

Conditions:
TRIOBP-related disorder. Also called: TRIOBP-related condition.
Meniere disease. Also called: Ménière's disease. Identifiers: MedGen C0025281, MONDO:0007972, OMIM 156000.
Autosomal recessive nonsyndromic hearing loss 28. Identifiers: Orphanet 90636, MedGen C1853276, MONDO:0012355, OMIM 609823.
Hearing impairment. Also called: Impaired Hearing. Identifiers: MedGen C1384666, MONDO:0005365, HP:0000365.
Monogenic hearing loss.

Allele frequency attached by ClinVar (database versions not stated): 1000 Genomes Project 30x 0.00016; 1000 Genomes Project 0.00020; ESP Exome Variant Server 0.00032; TOPMed 0.00032; gnomAD exomes 0.00048 and 0.00050; gnomAD 0.00054; ExAC 0.00057.

Submissions (17):

PreventionGenetics, part of Exact Sciences
Classification: Likely pathogenic for TRIOBP-related condition. Last evaluated: 2026-09-16. Review status: criteria provided, single submitter. Criteria: ACMG Guidelines, 2015. Collection method: clinical testing. Allele origin: germline.
Comment: The TRIOBP c.5014G>T variant is predicted to result in premature protein termination (p.Gly1672*). This variant has been reported to be causative for autosomal recessive hearing loss (Pollak et al. 2017. PubMed ID: 29197352; Wesdorp et al. 2017. PubMed ID: 28089734; Zazo Seco et al. 2017. PubMed ID: 28000701). This variant is reported in 0.17% of alleles in individuals of Ashkenazi Jewish descent in gnomAD. Nonsense variants in TRIOBP are expected to be pathogenic. This variant is interpreted as likely pathogenic.

Genetics Laboratory, Great Ormond Street Hospital NHS Foundation Trust, North Thames Genomic Laboratory Hub
Classification: Pathogenic for Monogenic hearing loss. Last evaluated: 2026-08-16. Review status: criteria provided, single submitter. Criteria: ACGS Best Practice Guidelines for Variant Classification in Rare Disease 2024 v1.2. Collection method: clinical testing. Allele origin: germline. Affected: yes.
Comment: PVS1_very-strong, PP1_moderate, PM3_moderate

Labcorp Genetics (formerly Invitae), Labcorp
Classification: Pathogenic. Last evaluated: 2025-12-16. Review status: criteria provided, single submitter. Criteria: Invitae Variant Classification Sherloc (09022015). Collection method: clinical testing. Allele origin: germline.
Comment: This sequence change creates a premature translational stop signal (p.Gly1672*) in the TRIOBP gene. It is expected to result in an absent or disrupted protein product. Loss-of-function variants in TRIOBP are known to be pathogenic (PMID: 16385457, 16385458, 20510926). This variant is present in population databases (rs200045032, gnomAD 0.2%), and has an allele count higher than expected for a pathogenic variant. This premature translational stop signal has been observed in individual(s) with deafness (PMID: 28000701, 28089734, 29197352). In at least one individual the data is consistent with being in trans (on the opposite chromosome) from a pathogenic variant. It has also been observed to segregate with disease in related individuals. ClinVar contains an entry for this variant (Variation ID: 504691). For these reasons, this variant has been classified as Pathogenic.

Variantyx, Inc.
Classification: Pathogenic for Autosomal recessive nonsyndromic hearing loss 28. Last evaluated: 2025-10-22. Review status: criteria provided, single submitter. Criteria: Variantyx Assertion Criteria 2022. Collection method: clinical testing. Allele origin: germline. Inheritance: Autosomal recessive inheritance. Affected: no.
Comment: This is a nonsense variant in the TRIOBP gene (OMIM: 609761). Pathogenic variants in this gene have been associated with autosomal recessive deafness 28. This variant introduces a premature termination codon in exon 9 out of 24 and is expected to result in loss of function, which is a known disease mechanism for TRIOBP in this disorder (PMID: 16385457, 16385458, 20510926) (PVS1). This variant has been identified in the homozygous or compound heterozygous state in at least 3 individuals reported in the published literature (PMID:28000701, 28089734, 29197352) (PM3_Strong). It has a 0.0583% maximum allele frequency in non-founder control populations (PM2). Based on the current evidence, this variant is classified as pathogenic for autosomal recessive deafness 28.

Dasa
Classification: Pathogenic. Last evaluated: 2025-04-24. Review status: criteria provided, single submitter. Criteria: DASA Assertion Criteria. Collection method: clinical testing. Allele origin: germline.
Comment: NM_001039141.3(TRIOBP):c.5014G>T (p.Gly1672*) introduces a premature termination codon predicted to result in loss of normal protein function. Loss-of-function is an established mechanism of disease for this gene. This variant has been recurrently observed in affected individuals with related phenotype in a genotype context consistent with recessive disease (PMID: 28000701; PMID: 28089734; PMID: 29197352). The variant is present at low frequency in population datasets. Based on the available data, this variant is classified as pathogenic.

Blueprint Genetics
Classification: Likely pathogenic for TRIOBP-related disorders. Last evaluated: 2024-11-24. Review status: criteria provided, single submitter. Criteria: ACMG Guidelines, 2015. Collection method: clinical testing. Allele origin: germline. Affected: yes. Observed: 5 variant alleles.

CeGaT Center for Human Genetics Tuebingen
Classification: Pathogenic. Last evaluated: 2024-01-01. Review status: criteria provided, single submitter. Criteria: CeGaT Center For Human Genetics Tuebingen Variant Classification Criteria Version 2. Collection method: clinical testing. Allele origin: germline. Affected: yes. Observed: 1 variant allele.
Comment: TRIOBP: PVS1, PM2

Department of Pathology and Laboratory Medicine, Sinai Health System
Classification: Pathogenic for Autosomal recessive nonsyndromic hearing loss 28. Last evaluated: 2023-01-31. Review status: criteria provided, single submitter. Criteria: ACMG Guidelines, 2015. Collection method: research. Allele origin: germline.

Mayo Clinic Laboratories, Mayo Clinic
Classification: Likely pathogenic. Last evaluated: 2022-03-09. Review status: criteria provided, single submitter. Criteria: ACMG Guidelines, 2015. Collection method: clinical testing. Allele origin: germline. Observed: 2 variant alleles.
Comment: PP1, PM2_supporting, PM3, PVS1

GeneDx
Classification: Pathogenic. Last evaluated: 2022-01-26. Review status: criteria provided, single submitter. Criteria: GeneDx Variant Classification Process June 2021. Collection method: clinical testing. Allele origin: germline. Affected: yes.
Comment: Nonsense variant predicted to result in protein truncation or nonsense mediated decay in a gene for which loss-of-function is a known mechanism of disease; This variant is associated with the following publications: (PMID: 29197352, 28089734, 34426522, 28000701)

Baylor Genetics
Classification: Pathogenic for Autosomal recessive nonsyndromic hearing loss 28. Last evaluated: 2020-09-22. Review status: criteria provided, single submitter. Criteria: ACMG Guidelines, 2015. Collection method: clinical testing. Allele origin: unknown. Affected: yes.
Comment: This variant was determined to be pathogenic according to ACMG Guidelines, 2015 [PMID:25741868].

Revvity Omics, Revvity
Classification: Likely pathogenic for Autosomal recessive nonsyndromic hearing loss 28. Last evaluated: 2019-12-05. Review status: criteria provided, single submitter. Criteria: ACMG Guidelines, 2015. Collection method: clinical testing. Allele origin: germline.

Laboratory for Molecular Medicine, Mass General Brigham Personalized Medicine
Classification: Uncertain significance. Last evaluated: 2018-12-19. Review status: criteria provided, single submitter. Criteria: LMM Criteria. Collection method: clinical testing. Allele origin: germline. Observed: 2 variant alleles.
Comment: Variant classified as Uncertain Significance - Favor Pathogenic. The p.Gly1672X variant in exon 9 of TRIOBP has been reported in compound heterozygous state wit h frameshift variants in exon 7 (NM_001039141.2) in 2 individuals hearing loss ( Pollack 2017, Wesdorp 2017, Zazo-Seco 2017). This variant has also been identifi ed in 0.17% (17/10060) of Ashkenazi Jewish chromosomes and 0.08% (98/124714) of European chromosomes by gnomAD. This nonsense variant leads to a premature termination codon at position 1672 which is predic ted to lead to a truncated or absent protein; however, there are several alterna tely spliced TRIOBP isoforms in humans. All pathogenic truncating variants in T RIOBP reported to date have been identified in exon 7, which is common in both t he TRIOBP-5 and TRIOBP-4 transcripts. The p.Gly1672X variant occurs in exon 9 of the TRIOBP-5 transcript. It is unknown at this time if truncating variants imp acting only the TRIOBP-5 transcript are causative for hearing loss. In summary, while there is some suspicion for a pathogenic role, the clinical significance o f the p.Gly1672X variant is uncertain. ACMG/AMP Criteria applied: PM3, BS1_Suppo rting.

Center for Computational Biology & Bioinformatics, University of California, San Diego
Classification: Uncertain significance for Meniere disease. Last evaluated: 2024-06-03. Review status: no assertion criteria provided. Collection method: research. Allele origin: germline. Affected: yes. Not counted in ClinVar's aggregate classification.

Clinical Genetics DNA and cytogenetics Diagnostics Lab, Erasmus MC, Erasmus Medical Center
Classification: Pathogenic. Review status: no assertion criteria provided. Collection method: clinical testing. Allele origin: germline. Affected: yes. Study: VKGL Data-share Consensus. Not counted in ClinVar's aggregate classification.

Joint Genome Diagnostic Labs from Nijmegen and Maastricht, Radboudumc and MUMC+
Classification: Pathogenic. Review status: no assertion criteria provided. Collection method: clinical testing. Allele origin: germline. Affected: yes. Study: VKGL Data-share Consensus. Not counted in ClinVar's aggregate classification.

Department of Otolaryngology – Head & Neck Surgery, Cochlear Implant Center
Classification: Likely benign for Hearing impairment. Last evaluated: 2021-04-12. Review status: flagged submission. Criteria: ClinGen HL ACMG Specifications v1. Collection method: clinical testing. Allele origin: germline. Affected: yes. Not counted in ClinVar's aggregate classification.
Comment: PVS1_Strong, PM2_Supporting, BP4_Supporting, BP5_Supporting
ClinVar note: Reason: Outlier claim with insufficient supporting evidence

Literature cited by the submitters: PubMed 16385457 (cited by Labcorp Genetics (formerly Invitae), Labcorp and Variantyx, Inc.); PubMed 16385458 (cited by Labcorp Genetics (formerly Invitae), Labcorp and Variantyx, Inc.); PubMed 20510926 (cited by Labcorp Genetics (formerly Invitae), Labcorp and Variantyx, Inc.); PubMed 28000701 (cited by 3 submitters); PubMed 28089734 (cited by 3 submitters); PubMed 29197352 (cited by 4 submitters).